The following is an entry in ClinVar:

NM_000632.4(ITGAM):c.2738C>T (p.Thr913Ile)

Gene: ITGAM (integrin subunit alpha M; plus strand). Cytogenetic location: 16p11.2.
Variant type: single nucleotide variant.
Coding change: c.2738C>T on transcript NM_000632.4 (MANE Select); coding-DNA position 2738, C replaced by T.
Protein change: p.Thr913Ile; replaces threonine 913 with isoleucine.
Molecular consequence: missense variant.
Genome position (GRCh38, 1-based): chr16:31,328,176, C>T. VCF-style: chr16-31328176-C-T. GRCh37 (hg19) VCF-style: chr16-31339497-C-T.
Other names: c.2741C>T, p.Thr914Ile (NM_001145808.2); short protein forms T913I, T914I.
Identifiers: ClinVar variation 2959910 (VCV002959910.3), dbSNP rs757468672, ClinGen allele CA8025954.

ClinVar aggregate classification (germline): Uncertain significance (1 of 4 stars; one submission).

Allele frequency attached by ClinVar (database versions not stated): ExAC 0.00003.
gnomAD v4.1: 33 of 1,613,944 alleles (0.002%); highest among the groups gnomAD compares: South Asian, 0.033%; no homozygotes.

Submission:

Labcorp Genetics (formerly Invitae), Labcorp
Classification: Uncertain significance. Last evaluated: 2023-10-27. Review status: criteria provided, single submitter. Criteria: Invitae Variant Classification Sherloc (09022015). Collection method: clinical testing. Allele origin: germline.
Comment: This sequence change replaces threonine, which is neutral and polar, with isoleucine, which is neutral and non-polar, at codon 913 of the ITGAM protein (p.Thr913Ile). This variant is present in population databases (rs757468672, gnomAD 0.03%). This variant has not been reported in the literature in individuals affected with ITGAM-related conditions. An algorithm developed to predict the effect of missense changes on protein structure and function (PolyPhen-2) suggests that this variant is likely to be disruptive. In summary, the available evidence is currently insufficient to determine the role of this variant in disease. Therefore, it has been classified as a Variant of Uncertain Significance.